The following is an entry in ClinVar:

ClinVar aggregate classification (germline): Uncertain significance (1 of 4 stars; one submission).

Conditions:
Mitochondrial trifunctional protein deficiency. Identifiers: Orphanet 746, MedGen C1969443, MONDO:0012172.

Submission:

Labcorp Genetics (formerly Invitae), Labcorp
Classification: Uncertain significance for Mitochondrial trifunctional protein deficiency. Last evaluated: 2024-02-05. Review status: criteria provided, single submitter. Criteria: Invitae Variant Classification Sherloc (09022015). Collection method: clinical testing. Allele origin: germline.
Comment: This sequence change replaces glutamic acid, which is acidic and polar, with lysine, which is basic and polar, at codon 166 of the HADHB protein (p.Glu166Lys). This variant is not present in population databases (gnomAD no frequency). This variant has not been reported in the literature in individuals affected with HADHB-related conditions. Advanced modeling of protein sequence and biophysical properties (such as structural, functional, and spatial information, amino acid conservation, physicochemical variation, residue mobility, and thermodynamic stability) performed at Invitae indicates that this missense variant is expected to disrupt HADHB protein function with a positive predictive value of 80%. In summary, the available evidence is currently insufficient to determine the role of this variant in disease. Therefore, it has been classified as a Variant of Uncertain Significance.

NM_000183.3(HADHB):c.496G>A (p.Glu166Lys)

Gene: HADHB (hydroxyacyl-CoA dehydrogenase trifunctional multienzyme complex subunit beta; plus strand). Cytogenetic location: 2p23.3.
Variant type: single nucleotide variant.
Coding change: c.496G>A on transcript NM_000183.3 (MANE Select); coding-DNA position 496, G replaced by A.
Protein change: p.Glu166Lys; replaces glutamic acid 166 with lysine.
Molecular consequence: missense variant.
Genome position (GRCh38, 1-based): chr2:26,278,667, G>A. VCF-style: chr2-26278667-G-A. GRCh37 (hg19) VCF-style: chr2-26501535-G-A.
Other names: c.451G>A, p.Glu151Lys (NM_001281512.2); c.430G>A, p.Glu144Lys (NM_001281513.2); short protein forms E144K, E151K, E166K.
Identifiers: ClinVar variation 2989807 (VCV002989807.3), dbSNP rs2465718144, ClinGen allele CA346092327.
Genomic context (GRCh38, chr2:26,278,667, plus strand): 5'-CCTGTAGGTGTTGGCTTGATTGCTTCTGGCCAGTGTGATGTGATCGTGGCAGGTGGTGTT[G>A]AGTTGATGTCCGATGTCCCTATTCGTCACTCAAGGAAAATGAGAAAACTGATGCTTGATC-3'
Protein context (NP_000174.1, residues 156-176): QCDVIVAGGV[Glu166Lys]LMSDVPIRHS